The following is an entry in ClinVar:

ClinVar aggregate classification (germline): Likely benign (1 of 4 stars; one submission).

Submission:

CeGaT Center for Human Genetics Tuebingen
Classification: Likely benign. Last evaluated: 2026-02-01. Review status: criteria provided, single submitter. Criteria: CeGaT Center For Human Genetics Tuebingen Variant Classification Criteria Version 2. Collection method: clinical testing. Allele origin: germline. Affected: yes. Observed: 1 variant allele.
Comment: NFKBIA: PM2:Supporting, BP4, BP7

NM_020529.3(NFKBIA):c.411T>C (p.Pro137=)

Genes: NFKBIA (NFKB inhibitor alpha; minus strand), LOC130055494 (ATAC-STARR-seq lymphoblastoid active region 8276; plus strand). Cytogenetic location: 14q13.2.
Variant type: single nucleotide variant.
Coding change: c.411T>C on transcript NM_020529.3 (MANE Select); coding-DNA position 411, T replaced by C.
Protein change: p.Pro137=; no amino-acid change (proline 137 retained).
Molecular consequence: synonymous variant.
Genome position (GRCh38, 1-based): chr14:35,403,286, A>G on the plus strand (T>C on the coding strand, the complement: NFKBIA is on the minus strand). VCF-style: chr14-35403286-A-G. GRCh37 (hg19) VCF-style: chr14-35872492-A-G.
Identifiers: ClinVar variation 4823377 (VCV004823377.4).
Genomic context (GRCh38, chr14:35,403,286, plus strand): 5'-CAGGCAGCCCTGCTCACAGGCAAGGTGTAGGGGGGTATTTCCTCGAAAGTCTCGGAGCTC[A>G]GGATCACAGCCAGCTCCCAGAAGTGCCTCAGCAATTTCTGGCTGGTTGGTGATCACAGCC-3'
Protein context (NP_065390.1, residues 127-147): AEALLGAGCD[Pro137=]ELRDFRGNTP